The following is an entry in ClinVar:

NM_000350.3(ABCA4):c.3364G>T (p.Glu1122Ter)

Gene: ABCA4 (ATP binding cassette subfamily A member 4; minus strand). Cytogenetic location: 1p22.1.
Variant type: single nucleotide variant.
Coding change: c.3364G>T on transcript NM_000350.3 (MANE Select); coding-DNA position 3364, G replaced by T.
Protein change: p.Glu1122Ter; replaces glutamic acid 1122 with a stop codon.
Molecular consequence: nonsense.
Genome position (GRCh38, 1-based): chr1:94,041,367, C>A on the plus strand (G>T on the coding strand, the complement: ABCA4 is on the minus strand). VCF-style: chr1-94041367-C-A. GRCh37 (hg19) VCF-style: chr1-94506923-C-A.
Other names: c.3142G>T, p.Glu1048Ter (NM_001425324.1); short protein forms E1048*, E1122*.
Identifiers: ClinVar variation 3630008 (VCV003630008.1).
Genomic context (GRCh38, chr1:94,041,367, plus strand): 5'-CTGAGCAGTAGAGCCTTCCCTGGGCAATGATGGCAATGCGGTCCCCAAGGAGGTCGGCCT[C>A]GTCCATGTGGTGAGTGGACATGATGATGGTTCTGCCTGCAAGGTAGGGGCCAGGGCAATC-3'

ClinVar aggregate classification (germline): Pathogenic (1 of 4 stars; one submission).

Conditions:
Retinitis pigmentosa (RP). Identifiers: Orphanet 791, MedGen C0035334, MeSH D012174, MONDO:0019200, OMIM 268000. Inheritance: Autosomal dominant, autosomal recessive and X linked inheritance.

Submission:

Women's Health and Genetics/Laboratory Corporation of America, LabCorp
Classification: Pathogenic for Retinitis pigmentosa. Last evaluated: 2024-11-19. Review status: criteria provided, single submitter. Criteria: LabCorp Variant Classification Summary - May 2015. Collection method: clinical testing. Allele origin: germline.
Comment: Variant summary: ABCA4 c.3364G>T (p.Glu1122X) results in a premature termination codon, predicted to cause absence of the protein due to nonsense mediated decay, which is a commonly known mechanism for disease. The variant was absent in 251462 control chromosomes. c.3364G>T has been reported in the literature in at-least one individual affected with Stargardt disease 1 (example, Tracewska_2019). To our knowledge, no experimental evidence demonstrating an impact on protein function has been reported. The following publication has been ascertained in the context of this evaluation (PMID: 31766579). No submitters have cited clinical-significance assessments for this variant to ClinVar. Based on the evidence outlined above, the variant was classified as pathogenic.

Literature cited by the submitters: PubMed 31766579.